The following is an entry in ClinVar:

NM_001378778.1(MPDZ):c.947A>G (p.Glu316Gly)

Gene: MPDZ (multiple PDZ domain crumbs cell polarity complex component; minus strand). Cytogenetic location: 9p23.
Variant type: single nucleotide variant.
Coding change: c.947A>G on transcript NM_001378778.1 (MANE Select); coding-DNA position 947, A replaced by G.
Protein change: p.Glu316Gly; replaces glutamic acid 316 with glycine.
Molecular consequence: missense variant.
Genome position (GRCh38, 1-based): chr9:13,219,698, T>C on the plus strand (A>G on the coding strand, the complement: MPDZ is on the minus strand). VCF-style: chr9-13219698-T-C. GRCh37 (hg19) VCF-style: chr9-13219697-T-C.
Other names: c.947A>G, p.Glu316Gly (NM_001261406.2, NM_001261407.2, NM_001330637.2 and 14 more transcripts); short protein forms E316G.
Identifiers: ClinVar variation 1471520 (VCV001471520.6), dbSNP rs1299538478, ClinGen allele CA372945752.

ClinVar aggregate classification (germline): Uncertain significance (1 of 4 stars; one submission).

Allele frequency attached by ClinVar (database versions not stated): gnomAD exomes below 0.00001; TOPMed below 0.00001; gnomAD 0.00001.
gnomAD v4.1: 4 of 1,612,708 alleles (0.00025%); highest among the groups gnomAD compares: Middle Eastern, 0.016%; no homozygotes.

Submission:

Labcorp Genetics (formerly Invitae), Labcorp
Classification: Uncertain significance. Last evaluated: 2021-08-31. Review status: criteria provided, single submitter. Criteria: Invitae Variant Classification Sherloc (09022015). Collection method: clinical testing. Allele origin: germline.
Comment: This sequence change replaces glutamic acid with glycine at codon 316 of the MPDZ protein (p.Glu316Gly). The glutamic acid residue is highly conserved and there is a moderate physicochemical difference between glutamic acid and glycine. This variant is not present in population databases (ExAC no frequency). This variant has not been reported in the literature in individuals affected with MPDZ-related conditions. Algorithms developed to predict the effect of missense changes on protein structure and function (SIFT, PolyPhen-2, Align-GVGD) all suggest that this variant is likely to be disruptive. In summary, the available evidence is currently insufficient to determine the role of this variant in disease. Therefore, it has been classified as a Variant of Uncertain Significance.